The following is an entry in ClinVar:

ClinVar aggregate classification (germline): Uncertain significance. Review status: criteria provided, multiple submitters, no conflicts (2 of 4 stars). 3 submissions from 3 submitters: Uncertain significance (3). Last evaluated 2025-12-21.

Conditions:
Dilated cardiomyopathy 1JJ (CMD1JJ). Identifiers: Orphanet 154, MedGen C3808935, MONDO:0014095, OMIM 615235.
Cardiovascular phenotype. Identifiers: MedGen CN230736.

Allele frequency attached by ClinVar (database versions not stated): gnomAD exomes 0.00001; ExAC 0.00002; gnomAD 0.00005; TOPMed 0.00006; ESP Exome Variant Server 0.00008.
gnomAD v4.1: 15 of 1,612,468 alleles (0.00093%); highest among the groups gnomAD compares: African/African-American, 0.02%; no homozygotes.

Submissions (3):

Labcorp Genetics (formerly Invitae), Labcorp
Classification: Uncertain significance for Dilated cardiomyopathy 1JJ. Last evaluated: 2025-12-21. Review status: criteria provided, single submitter. Criteria: Invitae Variant Classification Sherloc (09022015). Collection method: clinical testing. Allele origin: germline.
Comment: This sequence change replaces tyrosine, which is neutral and polar, with histidine, which is basic and polar, at codon 1129 of the LAMA4 protein (p.Tyr1129His). This variant is present in population databases (rs148462898, gnomAD 0.03%). This variant has not been reported in the literature in individuals affected with LAMA4-related conditions. ClinVar contains an entry for this variant (Variation ID: 1038819). Invitae Evidence Modeling of protein sequence and biophysical properties (such as structural, functional, and spatial information, amino acid conservation, physicochemical variation, residue mobility, and thermodynamic stability) indicates that this missense variant is expected to disrupt LAMA4 protein function with a positive predictive value of 80%. In summary, the available evidence is currently insufficient to determine the role of this variant in disease. Therefore, it has been classified as a Variant of Uncertain Significance.

Ambry Genetics
Classification: Uncertain significance for Cardiovascular phenotype. Last evaluated: 2024-06-07. Review status: criteria provided, single submitter. Criteria: Ambry Variant Classification Scheme 2023. Collection method: clinical testing. Allele origin: germline.
Comment: The p.Y1129H variant (also known as c.3385T>C), located in coding exon 24 of the LAMA4 gene, results from a T to C substitution at nucleotide position 3385. The tyrosine at codon 1129 is replaced by histidine, an amino acid with similar properties. This amino acid position is well conserved in available vertebrate species. In addition, the in silico prediction for this alteration is inconclusive. The evidence for this gene-disease relationship is limited; therefore, the clinical significance of this alteration is unclear.

Fulgent Genetics
Classification: Uncertain significance for Dilated cardiomyopathy 1JJ. Last evaluated: 2021-07-26. Review status: criteria provided, single submitter. Criteria: ACMG Guidelines, 2015. Collection method: clinical testing. Allele origin: unknown.

NM_001105206.3(LAMA4):c.3406T>C (p.Tyr1136His)

Gene: LAMA4 (laminin subunit alpha 4; minus strand). Cytogenetic location: 6q21.
Variant type: single nucleotide variant.
Coding change: c.3406T>C on transcript NM_001105206.3 (MANE Select); coding-DNA position 3406, T replaced by C.
Protein change: p.Tyr1136His; replaces tyrosine 1136 with histidine.
Molecular consequence: missense variant.
Genome position (GRCh38, 1-based): chr6:112,136,131, A>G on the plus strand (T>C on the coding strand, the complement: LAMA4 is on the minus strand). VCF-style: chr6-112136131-A-G. GRCh37 (hg19) VCF-style: chr6-112457333-A-G.
Other names: c.3385T>C, p.Tyr1129His (NM_001105207.3, NM_002290.5); short protein forms Y1136H, Y1129H.
Identifiers: ClinVar variation 1038819 (VCV001038819.12), dbSNP rs148462898, ClinGen allele CA3965227.
Genomic context (GRCh38, chr6:112,136,131, plus strand): 5'-ATCTAAGTATAAAGAACAAAAACAAAACCAACCAAACTACAATGATTTGTACCTCATGGT[A>G]TTTTGCATCATTAATTTGAGCTTTCTTTAACGTATCTTCAAGATGCACAGGGCCACCGCT-3'
Protein context (NP_001098676.2, residues 1126-1146): LKKAQINDAK[Tyr1136His]HEISIIYHND